The following is an entry in ClinVar:

ClinVar aggregate classification (germline): Uncertain significance. Review status: criteria provided, multiple submitters, no conflicts (2 of 4 stars). 2 submissions from 2 submitters: Uncertain significance (2). Last evaluated 2024-10-20.

Allele frequency attached by ClinVar (database versions not stated): gnomAD 0.00001.
gnomAD v4.1: 13 of 1,614,026 alleles (0.00081%); highest among the groups gnomAD compares: African/African-American, 0.011%; no homozygotes.

Submissions (2):

Ambry Genetics
Classification: Uncertain significance. Last evaluated: 2024-10-20. Review status: criteria provided, single submitter. Criteria: Ambry Variant Classification Scheme 2023. Collection method: clinical testing. Allele origin: germline.

Labcorp Genetics (formerly Invitae), Labcorp
Classification: Uncertain significance. Last evaluated: 2024-05-02. Review status: criteria provided, single submitter. Criteria: Invitae Variant Classification Sherloc (09022015). Collection method: clinical testing. Allele origin: germline.
Comment: This sequence change replaces alanine, which is neutral and non-polar, with glycine, which is neutral and non-polar, at codon 243 of the AKR1C4 protein (p.Ala243Gly). This variant is present in population databases (rs111784931, gnomAD 0.003%). This variant has not been reported in the literature in individuals affected with AKR1C4-related conditions. Advanced modeling of protein sequence and biophysical properties (such as structural, functional, and spatial information, amino acid conservation, physicochemical variation, residue mobility, and thermodynamic stability) performed at Invitae indicates that this missense variant is not expected to disrupt AKR1C4 protein function with a negative predictive value of 80%. In summary, the available evidence is currently insufficient to determine the role of this variant in disease. Therefore, it has been classified as a Variant of Uncertain Significance.

NM_001818.5(AKR1C4):c.728C>G (p.Ala243Gly)

Gene: AKR1C4 (aldo-keto reductase family 1 member C4; plus strand). Cytogenetic location: 10p15.1.
Variant type: single nucleotide variant.
Coding change: c.728C>G on transcript NM_001818.5 (MANE Select); coding-DNA position 728, C replaced by G.
Protein change: p.Ala243Gly; replaces alanine 243 with glycine.
Molecular consequence: missense variant.
Genome position (GRCh38, 1-based): chr10:5,213,041, C>G. VCF-style: chr10-5213041-C-G. GRCh37 (hg19) VCF-style: chr10-5255004-C-G.
Other names: c.728C>G (NM_001818.3); short protein forms A243G.
Identifiers: ClinVar variation 2969068 (VCV002969068.4), dbSNP rs111784931, ClinGen allele CA375890353.